The following is an entry in ClinVar:

NM_000642.3(AGL):c.1284-2A>G

Gene: AGL (amylo-alpha-1,6-glucosidase and 4-alpha-glucanotransferase; plus strand). Cytogenetic location: 1p21.2.
Variant type: single nucleotide variant.
Coding change: c.1284-2A>G on transcript NM_000642.3 (MANE Select); the canonical splice acceptor site of the intron before coding-DNA position 1284, A replaced by G.
Molecular consequence: splice acceptor variant.
Genome position (GRCh38, 1-based): chr1:99,876,456, A>G. VCF-style: chr1-99876456-A-G. GRCh37 (hg19) VCF-style: chr1-100342012-A-G.
Other names: c.1284-2A>G (NM_000643.3, NM_000644.3, NM_001425325.1 and 2 more transcripts); c.1236-2A>G (NM_000646.3); c.1080-2A>G (NM_001425329.1, NM_001425328.1); c.906-2A>G (NM_001425332.1); c.1083-2A>G (NM_001425327.1).
Identifiers: ClinVar variation 969604 (VCV000969604.9), dbSNP rs1651536973, ClinGen allele CA341345756.
Genomic context (GRCh38, chr1:99,876,456, plus strand): 5'-AATTTATATTCTCTCCAAGGAGTTTCTTTGTATGGATTTAATATTTAATTATATTTTCAT[A>G]GGTATTTTACTTTCCCATTTGAAGAGATAGACTTCTCCATGGAAGAATCTATGATTCATC-3'

ClinVar aggregate classification (germline): Likely pathogenic. Review status: criteria provided, multiple submitters, no conflicts (2 of 4 stars). 2 submissions from 2 submitters: Likely pathogenic (2). Last evaluated 2023-04-15.

Conditions:
Glycogen storage disease type III (GSD3). Also called: FORBES DISEASE; Cori disease. Identifiers: Orphanet 366, MedGen C0017922, MONDO:0009291, OMIM 232400.

Allele frequency attached by ClinVar (database versions not stated): gnomAD exomes below 0.00001.
gnomAD v4.1: 2 of 1,571,554 alleles (0.00013%); highest among the groups gnomAD compares: South Asian, 0.0011%; no homozygotes.

Submissions (2):

Labcorp Genetics (formerly Invitae), Labcorp
Classification: Likely pathogenic for Glycogen storage disease type III. Last evaluated: 2023-04-15. Review status: criteria provided, single submitter. Criteria: Invitae Variant Classification Sherloc (09022015). Collection method: clinical testing. Allele origin: germline.
Comment: In summary, the currently available evidence indicates that the variant is pathogenic, but additional data are needed to prove that conclusively. Therefore, this variant has been classified as Likely Pathogenic. This sequence change affects an acceptor splice site in intron 10 of the AGL gene. It is expected to disrupt RNA splicing. Variants that disrupt the donor or acceptor splice site typically lead to a loss of protein function (PMID: 16199547), and loss-of-function variants in AGL are known to be pathogenic (PMID: 19299494). This variant is not present in population databases (gnomAD no frequency). This variant has not been reported in the literature in individuals affected with AGL-related conditions. ClinVar contains an entry for this variant (Variation ID: 969604). Algorithms developed to predict the effect of sequence changes on RNA splicing suggest that this variant may disrupt the consensus splice site.

Baylor Genetics
Classification: Likely pathogenic for Glycogen storage disease type III. Last evaluated: 2022-04-07. Review status: criteria provided, single submitter. Criteria: ACMG Guidelines, 2015. Collection method: clinical testing. Allele origin: unknown.

Literature cited by the submitters: PubMed 16199547 (cited by Labcorp Genetics (formerly Invitae), Labcorp); PubMed 19299494 (cited by Labcorp Genetics (formerly Invitae), Labcorp).